The following is an entry in ClinVar:

NM_004924.6(ACTN4):c.912C>T (p.Asp304=)

Gene: ACTN4 (actinin alpha 4; plus strand). Cytogenetic location: 19q13.2.
Variant type: single nucleotide variant.
Coding change: c.912C>T on transcript NM_004924.6 (MANE Select); coding-DNA position 912, C replaced by T.
Protein change: p.Asp304=; no amino-acid change (aspartic acid 304 retained).
Molecular consequence: synonymous variant.
Genome position (GRCh38, 1-based): chr19:38,714,561, C>T. VCF-style: chr19-38714561-C-T. GRCh37 (hg19) VCF-style: chr19-39205201-C-T.
Other names: c.912C>T, p.Asp304= (NM_001322033.2, NM_001411143.1, NM_001440296.1 and 2 more transcripts); c.660C>T, p.Asp220= (NM_001440299.1).
Identifiers: ClinVar variation 4695510 (VCV004695510.1).

ClinVar aggregate classification (germline): Uncertain significance (1 of 4 stars; one submission).

gnomAD v4.1: 6 of 1,613,930 alleles (0.00037%); highest among the groups gnomAD compares: South Asian, 0.0011%; no homozygotes.

Submission:

Labcorp Genetics (formerly Invitae), Labcorp
Classification: Uncertain significance. Last evaluated: 2025-10-12. Review status: criteria provided, single submitter. Criteria: Invitae Variant Classification Sherloc (09022015). Collection method: clinical testing. Allele origin: germline.
Comment: This sequence change affects codon 304 of the ACTN4 mRNA. It is a 'silent' change, meaning that it does not change the encoded amino acid sequence of the ACTN4 protein. It affects a nucleotide within the consensus splice site. This variant is present in population databases (no rsID available, gnomAD 0.0009%). This variant has not been reported in the literature in individuals affected with ACTN4-related conditions. Algorithms developed to predict the effect of sequence changes on RNA splicing suggest that this variant is not likely to affect RNA splicing. In summary, the available evidence is currently insufficient to determine the role of this variant in disease. Therefore, it has been classified as a Variant of Uncertain Significance.